The following is an entry in ClinVar:

ClinVar aggregate classification (germline): Pathogenic. Review status: criteria provided, multiple submitters, no conflicts (2 of 4 stars). 2 submissions from 2 submitters: Pathogenic (2). Last evaluated 2023-04-11.

Conditions:
Hereditary cancer-predisposing syndrome. Also called: Neoplastic Syndromes, Hereditary; Hereditary Cancer Syndrome; Tumor predisposition; Hereditary neoplastic syndrome. Identifiers: Orphanet 140162, MedGen C0027672, MeSH D009386, MONDO:0015356.
Hereditary breast ovarian cancer syndrome. Also called: Hereditary breast and ovarian cancer syndrome; Hereditary breast and ovarian cancer syndrome (HBOC); Hereditary breast and/or ovarian cancer syndrome; Hereditary breast and ovarian cancer; Breast and ovarian cancer; BRCA1- and BRCA2-Associated Hereditary Breast and Ovarian Cancer. Identifiers: Orphanet 145, MedGen C0677776, MeSH D061325, MONDO:0003582. Disease mechanism: loss of function.

Submissions (2):

Labcorp Genetics (formerly Invitae), Labcorp
Classification: Pathogenic for Hereditary breast ovarian cancer syndrome. Last evaluated: 2023-04-11. Review status: criteria provided, single submitter. Criteria: Invitae Variant Classification Sherloc (09022015). Collection method: clinical testing. Allele origin: germline.
Comment: For these reasons, this variant has been classified as Pathogenic. ClinVar contains an entry for this variant (Variation ID: 927563). This variant has not been reported in the literature in individuals affected with BRCA2-related conditions. This variant is not present in population databases (gnomAD no frequency). This sequence change creates a premature translational stop signal (p.Met2775Ilefs*3) in the BRCA2 gene. It is expected to result in an absent or disrupted protein product. Loss-of-function variants in BRCA2 are known to be pathogenic (PMID: 20104584).

Color Diagnostics, LLC DBA Color Health
Classification: Pathogenic for Hereditary cancer-predisposing syndrome. Last evaluated: 2019-07-22. Review status: criteria provided, single submitter. Criteria: ACMG Guidelines, 2015. Collection method: clinical testing. Allele origin: germline.
Comment: This variant inserts 2 nucleotides in exon 18 of the BRCA2 gene, creating a frameshift and premature translation stop signal. This variant is expected to result in an absent or non-functional protein product. Computational splicing tools suggest that this variant may not impact RNA splicing. To our knowledge, functional assays have not been performed for this variant nor has this variant been reported in individuals affected with hereditary cancer in the literature. This variant has not been identified in the general population by the Genome Aggregation Database (gnomAD). Loss of BRCA2 function is a known mechanism of disease. Based on available evidence, this variant is classified as Pathogenic.

Literature cited by the submitters: PubMed 20104584 (cited by Labcorp Genetics (formerly Invitae), Labcorp).

NM_000059.4(BRCA2):c.8323_8324dup (p.Met2775fs)

Gene: BRCA2 (BRCA2 DNA repair associated; plus strand). Cytogenetic location: 13q13.1.
Variant type: Duplication.
Coding change: c.8323_8324dup on transcript NM_000059.4 (MANE Select); coding-DNA positions 8323 to 8324, 2 bases duplicated (AT; older notation c.8323_8324dupAT).
Protein change: p.Met2775fs; shifts the reading frame from methionine 2775.
Molecular consequence: frameshift variant.
Genome position (GRCh38, 1-based): chr13:32,363,525-32,363,526, AT duplicated; duplicating any 2 consecutive bases within chr13:32,363,524-32,363,526 gives the same sequence; the c. name uses the placement nearest the transcript's 3' end. VCF-style (leftmost placement, unchanged base first): chr13-32363523-T-TTA. GRCh37 (hg19) VCF-style: chr13-32937660-T-TTA.
Other names: short protein forms M2775fs.
Identifiers: ClinVar variation 927563 (VCV000927563.12), dbSNP rs2072761372, ClinGen allele CA1139663150.
Genomic context (GRCh38, chr13:32,363,523, plus strand): 5'-ATGGAGCAGAACTGGTGGGCTCTCCTGATGCCTGTACACCTCTTGAAGCCCCAGAATCTC[T>TTA]TATGTTAAAGGTAAATTAATTTGCACTCTTGGTAAAAATCAGTCATTGATTCAGTTAAAT-3'